The following is an entry in ClinVar:

NM_020381.4(PDSS2):c.365C>A (p.Ala122Glu)

Gene: PDSS2 (decaprenyl diphosphate synthase subunit 2; minus strand). Cytogenetic location: 6q21.
Variant type: single nucleotide variant.
Coding change: c.365C>A on transcript NM_020381.4 (MANE Select); coding-DNA position 365, C replaced by A.
Protein change: p.Ala122Glu; replaces alanine 122 with glutamic acid.
Molecular consequence: missense variant.
Genome position (GRCh38, 1-based): chr6:107,334,264, G>T on the plus strand (C>A on the coding strand, the complement: PDSS2 is on the minus strand). VCF-style: chr6-107334264-G-T. GRCh37 (hg19) VCF-style: chr6-107655468-G-T.
Other names: short protein forms A122E.
Identifiers: ClinVar variation 2013411 (VCV002013411.4), dbSNP rs2484466834, ClinGen allele CA365323446.

ClinVar aggregate classification (germline): Uncertain significance (1 of 4 stars; one submission).

gnomAD v4.1: 3 of 1,613,082 alleles (0.00019%); highest among the groups gnomAD compares: Non-Finnish European, 0.00025%; no homozygotes.

Submission:

Labcorp Genetics (formerly Invitae), Labcorp
Classification: Uncertain significance. Last evaluated: 2022-07-03. Review status: criteria provided, single submitter. Criteria: Invitae Variant Classification Sherloc (09022015). Collection method: clinical testing. Allele origin: germline.
Comment: This sequence change replaces alanine, which is neutral and non-polar, with glutamic acid, which is acidic and polar, at codon 122 of the PDSS2 protein (p.Ala122Glu). This variant is not present in population databases (gnomAD no frequency). This variant has not been reported in the literature in individuals affected with PDSS2-related conditions. Algorithms developed to predict the effect of missense changes on protein structure and function are either unavailable or do not agree on the potential impact of this missense change (SIFT: "Tolerated"; PolyPhen-2: "Probably Damaging"; Align-GVGD: "Class C0"). In summary, the available evidence is currently insufficient to determine the role of this variant in disease. Therefore, it has been classified as a Variant of Uncertain Significance.